The following is an entry in ClinVar:

NM_173689.7(CRB2):c.1920C>A (p.Cys640Ter)

Gene: CRB2 (crumbs cell polarity complex component 2; plus strand). Cytogenetic location: 9q33.3.
Variant type: single nucleotide variant.
Coding change: c.1920C>A on transcript NM_173689.7 (MANE Select); coding-DNA position 1920, C replaced by A.
Protein change: p.Cys640Ter; replaces cysteine 640 with a stop codon.
Molecular consequence: nonsense. On other transcripts: non-coding transcript variant (1).
Genome position (GRCh38, 1-based): chr9:123,370,973, C>A. VCF-style: chr9-123370973-C-A. GRCh37 (hg19) VCF-style: chr9-126133252-C-A.
Other names: short protein forms C640*.
Identifiers: ClinVar variation 1076302 (VCV001076302.7), dbSNP rs55965026, ClinGen allele CA374864321.
Genomic context (GRCh38, chr9:123,370,973, plus strand): 5'-TGTGGATCTGTGGACTCATTTCCGTTGCGACTGTGCCCGGCCCCATAGAGGTCCCACGTG[C>A]GCTGATGGTGAGGAATAAGCCAGGTGGGAAGGCAGCACCTGAGATCTGCCTCCCTCAGCC-3'

ClinVar aggregate classification (germline): Pathogenic (1 of 4 stars; one submission).

Submission:

Labcorp Genetics (formerly Invitae), Labcorp
Classification: Pathogenic. Last evaluated: 2020-05-28. Review status: criteria provided, single submitter. Criteria: Invitae Variant Classification Sherloc (09022015). Collection method: clinical testing. Allele origin: germline.
Comment: This variant is not present in population databases (ExAC no frequency). This sequence change creates a premature translational stop signal (p.Cys640*) in the CRB2 gene. It is expected to result in an absent or disrupted protein product. This variant has not been reported in the literature in individuals with CRB2-related conditions. Algorithms developed to predict the effect of sequence changes on RNA splicing suggest that this variant may create or strengthen a splice site, but this prediction has not been confirmed by published transcriptional studies. Loss-of-function variants in CRB2 are known to be pathogenic (PMID: 27942854, 30212996). For these reasons, this variant has been classified as Pathogenic.

Literature cited by the submitters: PubMed 27942854; PubMed 30212996.